The following is an entry in ClinVar:

ClinVar aggregate classification (germline): Benign/Likely benign. Review status: criteria provided, multiple submitters, no conflicts (2 of 4 stars). 3 submissions from 3 submitters: Benign (1); Likely benign (2). Last evaluated 2021-07-01.

Conditions:
Usher syndrome type 1F (USH1F). Also called: USHER SYNDROME, TYPE IF. Identifiers: Orphanet 231169, Orphanet 886, MedGen C1865885, MONDO:0011186, OMIM 602083.

Allele frequency attached by ClinVar (database versions not stated): 1000 Genomes Project 30x 0.00390; gnomAD 0.00798 and 0.00811; 1000 Genomes Project 0.00399; TOPMed 0.00809.
gnomAD v4.1: 15,349 of 1,471,340 alleles (1%); highest among the groups gnomAD compares: Middle Eastern, 2.4%; 123 homozygotes.

Submissions (3):

Genome-Nilou Lab
Classification: Benign for Usher syndrome type 1F. Last evaluated: 2021-07-01. Review status: criteria provided, single submitter. Criteria: ACMG Guidelines, 2015. Collection method: clinical testing. Allele origin: germline. Affected: no.

GeneDx
Classification: Likely benign. Last evaluated: 2018-06-16. Review status: criteria provided, single submitter. Criteria: GeneDx Variant Classification (06012015). Collection method: clinical testing. Allele origin: germline. Affected: yes.
Comment: This variant is considered likely benign or benign based on one or more of the following criteria: it is a conservative change, it occurs at a poorly conserved position in the protein, it is predicted to be benign by multiple in silico algorithms, and/or has population frequency not consistent with disease.

Breakthrough Genomics
Classification: Likely benign. Review status: criteria provided, single submitter. Criteria: ACMG Guidelines, 2015. Collection method: not provided. Allele origin: germline. Inheritance: Autosomal recessive inheritance. Affected: yes.

NM_001384140.1(PCDH15):c.4367+88A>G

Gene: PCDH15 (protocadherin related 15; minus strand). Cytogenetic location: 10q21.1.
Variant type: single nucleotide variant.
Coding change: c.4367+88A>G on transcript NM_001384140.1 (MANE Select); 88 bases into the intron after coding-DNA position 4367, A replaced by G.
Molecular consequence: intron variant.
Genome position (GRCh38, 1-based): chr10:53,827,305, T>C on the plus strand (A>G on the coding strand, the complement: PCDH15 is on the minus strand). VCF-style: chr10-53827305-T-C. GRCh37 (hg19) VCF-style: chr10-55587065-T-C.
Other names: c.4154+88A>G (NM_001142765.2); c.4358+88A>G (NM_001142766.2); c.4367+88A>G (NM_033056.4, NM_001142764.2, NM_001354420.2 and 3 more transcripts); c.4382+88A>G (NM_001142763.2, NM_001142771.2); c.4388+88A>G (NM_001354411.2); c.4403+88A>G (NM_001142769.3); c.4301+88A>G (NM_001354404.2, NM_001142768.2); c.4292+88A>G (NM_001142773.2); and 1 more.
Identifiers: ClinVar variation 675843 (VCV000675843.5), dbSNP rs45466098, ClinGen allele CA207224488.